The following is an entry in ClinVar:

NM_000135.4(FANCA):c.4026C>G (p.Phe1342Leu)

Genes: FANCA (FA complementation group A; minus strand), ZNF276 (zinc finger protein 276; plus strand). Cytogenetic location: 16q24.3.
Variant type: single nucleotide variant.
Coding change: c.4026C>G on transcript NM_000135.4 (MANE Select); coding-DNA position 4026, C replaced by G.
Protein change: p.Phe1342Leu; replaces phenylalanine 1342 with leucine.
Molecular consequence: missense variant. On other transcripts: 3 prime UTR variant (2), non-coding transcript variant (4).
Genome position (GRCh38, 1-based): chr16:89,739,274, G>C on the plus strand (C>G on the coding strand, the complement: FANCA is on the minus strand). VCF-style: chr16-89739274-G-C. GRCh37 (hg19) VCF-style: chr16-89805682-G-C.
Other names: c.4026C>G, p.Phe1342Leu (NM_001286167.3); c.*1028G>C (NM_001113525.2, NM_152287.4); short protein forms F1342L.
Identifiers: ClinVar variation 4022199 (VCV004022199.1).

ClinVar aggregate classification (germline): Uncertain significance (1 of 4 stars; one submission).

Conditions:
Inborn genetic diseases. Identifiers: MedGen C0950123, MeSH D030342.

gnomAD v4.1: 1 of 1,614,190 alleles (0.000062%); highest among the groups gnomAD compares: Non-Finnish European, 0.000085%; no homozygotes.

Submission:

Ambry Genetics
Classification: Uncertain significance for Inborn genetic diseases. Last evaluated: 2025-04-18. Review status: criteria provided, single submitter. Criteria: Ambry Variant Classification Scheme 2023. Collection method: clinical testing. Allele origin: germline.
Comment: The p.F1342L variant (also known as c.4026C>G), located in coding exon 41 of the FANCA gene, results from a C to G substitution at nucleotide position 4026. The phenylalanine at codon 1342 is replaced by leucine, an amino acid with highly similar properties. This amino acid position is conserved. In addition, this alteration is predicted to be tolerated by in silico analysis. Based on the available evidence, the clinical significance of this variant remains unclear.